The following is an entry in ClinVar:

ClinVar aggregate classification (germline): Uncertain significance (1 of 4 stars; one submission).

Conditions:
Charcot-Marie-Tooth disease type 4. Also called: Charcot-Marie-Tooth disease, type IV; Charcot-Marie-Tooth, Type 4. Identifiers: Orphanet 64749, MedGen C4082197, MONDO:0018995.

Allele frequency attached by ClinVar (database versions not stated): gnomAD exomes below 0.00001; ExAC 0.00001.
gnomAD v4.1: 7 of 1,614,074 alleles (0.00043%); highest among the groups gnomAD compares: Non-Finnish European, 0.00059%; no homozygotes.

Submission:

Labcorp Genetics (formerly Invitae), Labcorp
Classification: Uncertain significance for Charcot-Marie-Tooth disease type 4. Last evaluated: 2021-12-03. Review status: criteria provided, single submitter. Criteria: Invitae Variant Classification Sherloc (09022015). Collection method: clinical testing. Allele origin: germline.
Comment: In summary, the available evidence is currently insufficient to determine the role of this variant in disease. Therefore, it has been classified as a Variant of Uncertain Significance. Advanced modeling of protein sequence and biophysical properties (such as structural, functional, and spatial information, amino acid conservation, physicochemical variation, residue mobility, and thermodynamic stability) performed at Invitae indicates that this missense variant is not expected to disrupt SH3TC2 protein function. This variant has not been reported in the literature in individuals affected with SH3TC2-related conditions. This variant is present in population databases (rs759220976, gnomAD 0.0009%). This sequence change replaces leucine, which is neutral and non-polar, with phenylalanine, which is neutral and non-polar, at codon 54 of the SH3TC2 protein (p.Leu54Phe).

NM_024577.4(SH3TC2):c.160C>T (p.Leu54Phe)

Gene: SH3TC2 (SH3 domain and tetratricopeptide repeats 2; minus strand). Cytogenetic location: 5q32.
Variant type: single nucleotide variant.
Coding change: c.160C>T on transcript NM_024577.4 (MANE Select); coding-DNA position 160, C replaced by T.
Protein change: p.Leu54Phe; replaces leucine 54 with phenylalanine.
Molecular consequence: missense variant.
Genome position (GRCh38, 1-based): chr5:149,047,981, G>A on the plus strand (C>T on the coding strand, the complement: SH3TC2 is on the minus strand). VCF-style: chr5-149047981-G-A. GRCh37 (hg19) VCF-style: chr5-148427544-G-A.
Other names: short protein forms L54F.
Identifiers: ClinVar variation 1369555 (VCV001369555.8), dbSNP rs759220976, ClinGen allele CA3499606.